The following is an entry in ClinVar:

NM_001042492.3(NF1):c.2296A>G (p.Ile766Val)

Gene: NF1 (neurofibromin 1; plus strand). Cytogenetic location: 17q11.2.
Variant type: single nucleotide variant.
Coding change: c.2296A>G on transcript NM_001042492.3 (MANE Select); coding-DNA position 2296, A replaced by G.
Protein change: p.Ile766Val; replaces isoleucine 766 with valine.
Molecular consequence: missense variant.
Genome position (GRCh38, 1-based): chr17:31,227,262, A>G. VCF-style: chr17-31227262-A-G. GRCh37 (hg19) VCF-style: chr17-29554280-A-G.
Other names: c.2296A>G, p.Ile766Val (NM_000267.4); short protein forms I766V.
Identifiers: ClinVar variation 1399824 (VCV001399824.7), dbSNP rs1303924124, ClinGen allele CA398982827.
Genomic context (GRCh38, chr17:31,227,262, plus strand): 5'-TGTTGTATTTGCTTAGGAAGAGCAGCACTTCAGAAAAGAGTGATGGCACTGCTGAGGCGC[A>G]TTGAGCATCCCACTGCAGGAAACACTGAGGTATGCCCTTAGCAACAGAAACACCCCTCCC-3'
Protein context (NP_001035957.1, residues 756-776): QKRVMALLRR[Ile766Val]EHPTAGNTEA

ClinVar aggregate classification (germline): Uncertain significance. Review status: criteria provided, multiple submitters, no conflicts (2 of 4 stars). 2 submissions from 2 submitters: Uncertain significance (2). Last evaluated 2023-05-16.

Conditions:
Cardiovascular phenotype. Identifiers: MedGen CN230736.
Hereditary cancer-predisposing syndrome. Also called: Neoplastic Syndromes, Hereditary; Hereditary neoplastic syndrome; Hereditary Cancer Syndrome; Tumor predisposition. Identifiers: Orphanet 140162, MedGen C0027672, MeSH D009386, MONDO:0015356.
Neurofibromatosis, type 1 (NF1). Also called: NEUROFIBROMATOSIS, TYPE I, SOMATIC; Peripheral type neurofibromatosis; Neurofibromatosis, type I; VON RECKLINGHAUSEN DISEASE. Identifiers: Orphanet 636, MedGen C0027831, MONDO:0018975, OMIM 162200. Disease mechanism: loss of function.

Allele frequency attached by ClinVar (database versions not stated): gnomAD exomes below 0.00001; gnomAD 0.00001.
gnomAD v4.1: 3 of 1,613,642 alleles (0.00019%); highest among the groups gnomAD compares: Admixed American, 0.0017%; no homozygotes.

Submissions (2):

Ambry Genetics
Classification: Uncertain significance for Cardiovascular phenotype; Hereditary cancer-predisposing syndrome. Last evaluated: 2023-05-16. Review status: criteria provided, single submitter. Criteria: Ambry Variant Classification Scheme 2023. Collection method: clinical testing. Allele origin: germline.
Comment: The p.I766V variant (also known as c.2296A>G), located in coding exon 19 of the NF1 gene, results from an A to G substitution at nucleotide position 2296. The isoleucine at codon 766 is replaced by valine, an amino acid with highly similar properties. This amino acid position is highly conserved in available vertebrate species. In addition, this alteration is predicted to be tolerated by in silico analysis. Since supporting evidence is limited at this time, the clinical significance of this alteration remains unclear.

Labcorp Genetics (formerly Invitae), Labcorp
Classification: Uncertain significance for Neurofibromatosis, type 1. Last evaluated: 2022-12-15. Review status: criteria provided, single submitter. Criteria: Invitae Variant Classification Sherloc (09022015). Collection method: clinical testing. Allele origin: germline.
Comment: This sequence change replaces isoleucine, which is neutral and non-polar, with valine, which is neutral and non-polar, at codon 766 of the NF1 protein (p.Ile766Val). This variant is present in population databases (no rsID available, gnomAD 0.003%). This variant has not been reported in the literature in individuals affected with NF1-related conditions. ClinVar contains an entry for this variant (Variation ID: 1399824). Advanced modeling of protein sequence and biophysical properties (such as structural, functional, and spatial information, amino acid conservation, physicochemical variation, residue mobility, and thermodynamic stability) has been performed at Invitae for this missense variant, however the output from this modeling did not meet the statistical confidence thresholds required to predict the impact of this variant on NF1 protein function. In summary, the available evidence is currently insufficient to determine the role of this variant in disease. Therefore, it has been classified as a Variant of Uncertain Significance.